The following is an entry in ClinVar:

ClinVar aggregate classification (germline): Pathogenic (1 of 4 stars; one submission).

Submission:

Athena Diagnostics
Classification: Pathogenic. Last evaluated: 2021-11-15. Review status: criteria provided, single submitter. Criteria: Athena Diagnostics Criteria. Collection method: clinical testing. Allele origin: unknown.
Comment: This variant has not been reported in large, multi-ethnic general populations. This variant has been identified in at least one individual with clinical features associated with this gene. At least one other missense variant at this codon is considered to be pathogenic or likely pathogenic, suggesting this variant may also cause disease. This variant is also referred to as c.1415 G>T in published literature. This variant alters a critical location within the protein, and is expected to severely affect function and cause disease. Greater than 90% of pathogenic variants identified in NOTCH3 involve the gain or loss of a cysteine residue within the epidermal growth factor (EGF)-like repeat domain.

Literature cited by the submitters: PubMed 14710716.

NM_000435.3(NOTCH3):c.1337G>T (p.Cys446Phe)

Gene: NOTCH3 (notch receptor 3; minus strand). Cytogenetic location: 19p13.12.
Variant type: single nucleotide variant.
Coding change: c.1337G>T on transcript NM_000435.3 (MANE Select); coding-DNA position 1337, G replaced by T.
Protein change: p.Cys446Phe; replaces cysteine 446 with phenylalanine.
Molecular consequence: missense variant.
Genome position (GRCh38, 1-based): chr19:15,189,030, C>A on the plus strand (G>T on the coding strand, the complement: NOTCH3 is on the minus strand). VCF-style: chr19-15189030-C-A. GRCh37 (hg19) VCF-style: chr19-15299841-C-A.
Other names: short protein forms C446F.
Identifiers: ClinVar variation 585592 (VCV000585592.2), dbSNP rs1568360410, ClinGen allele CA404527730.